The following is an entry in ClinVar:

NM_014555.4(TRPM5):c.2808C>T (p.His936=)

Gene: TRPM5 (transient receptor potential cation channel subfamily M member 5; minus strand). Cytogenetic location: 11p15.5.
Variant type: single nucleotide variant.
Coding change: c.2808C>T on transcript NM_014555.4 (MANE Select); coding-DNA position 2808, C replaced by T.
Protein change: p.His936=; no amino-acid change (histidine 936 retained).
Molecular consequence: synonymous variant.
Genome position (GRCh38, 1-based): chr11:2,407,887, G>A on the plus strand (C>T on the coding strand, the complement: TRPM5 is on the minus strand). VCF-style: chr11-2407887-G-A. GRCh37 (hg19) VCF-style: chr11-2429117-G-A.
Identifiers: ClinVar variation 2641358 (VCV002641358.24), dbSNP rs138452711, ClinGen allele CA5820869.

ClinVar aggregate classification (germline): Likely benign (1 of 4 stars; one submission).

Allele frequency attached by ClinVar (database versions not stated): gnomAD exomes 0.00021; ExAC 0.00074; gnomAD 0.00210; TOPMed 0.00259; 1000 Genomes Project 0.00260; ESP Exome Variant Server 0.00269; 1000 Genomes Project 30x 0.00297.
gnomAD v4.1: 637 of 1,613,870 alleles (0.039%); highest among the groups gnomAD compares: African/African-American, 0.78%; 2 homozygotes.

Submission:

CeGaT Center for Human Genetics Tuebingen
Classification: Likely benign. Last evaluated: 2022-04-01. Review status: criteria provided, single submitter. Criteria: CeGaT Center For Human Genetics Tuebingen Variant Classification Criteria Version 2. Collection method: clinical testing. Allele origin: germline. Affected: yes. Observed: 1 variant allele.
Comment: TRPM5: BP4, BP7